The following is an entry in ClinVar:

NM_001267550.2(TTN):c.48761-1G>C

Genes: TTN (titin; minus strand), TTN-AS1 (TTN antisense RNA 1; plus strand), LOC126806426 (BRD4-independent group 4 enhancer GRCh37_chr2:179478848-179480047; plus strand). Cytogenetic location: 2q31.2.
Variant type: single nucleotide variant.
Coding change: c.48761-1G>C on transcript NM_001267550.2 (MANE Select); the canonical splice acceptor site of the intron before coding-DNA position 48761, G replaced by C.
Molecular consequence: splice acceptor variant. On other transcripts: non-coding transcript variant (1).
Genome position (GRCh38, 1-based): chr2:178,614,754, C>G on the plus strand (G>C on the coding strand, the complement: TTN is on the minus strand). VCF-style: chr2-178614754-C-G. GRCh37 (hg19) VCF-style: chr2-179479481-C-G.
Other names: c.21566-1G>C (NM_003319.4); c.22142-1G>C (NM_133437.4); c.21941-1G>C (NM_133432.3); c.41057-1G>C (NM_133378.4); c.43838-1G>C (NM_001256850.1).
Identifiers: ClinVar variation 228300 (VCV000228300.6), dbSNP rs876657665, ClinGen allele CA10576521.
Genomic context (GRCh38, chr2:178,614,754, plus strand): 5'-TCCCAGCTTTTACAGTGAGACCAGCAAGGAGCTTCACATCGAGGAAGATTTCTGGGGCCT[C>G]TGAATTGGAAAAGATTATTTATGATGTTATCAAGTTCAAGCAGATTTAAGGTCAGAGGCC-3'

ClinVar aggregate classification (germline): Likely pathogenic (1 of 4 stars; one submission).

Conditions:
Primary dilated cardiomyopathy (DCM). Also called: Dilated Cardiomyopathy. Identifiers: Orphanet 217604, MedGen C0007193, MeSH D002311, MONDO:0005021, HP:0001644. Inheritance: Various modes of inheritance.

Submission:

Laboratory for Molecular Medicine, Mass General Brigham Personalized Medicine
Classification: Likely pathogenic for Primary dilated cardiomyopathy. Last evaluated: 2020-03-17. Review status: criteria provided, single submitter. Criteria: LMM Criteria. Collection method: clinical testing. Allele origin: germline. Observed: 2 variant alleles.
Comment: proposed classification - variant undergoing re-assessment, contact laboratory

Literature cited by the submitters: PubMed 24503780; PubMed 22335739.